The following is an entry in ClinVar:

NM_021999.5(ITM2B):c.740A>G (p.Asn247Ser)

Gene: ITM2B (integral membrane protein 2B; plus strand). Cytogenetic location: 13q14.2.
Variant type: single nucleotide variant.
Coding change: c.740A>G on transcript NM_021999.5 (MANE Select); coding-DNA position 740, A replaced by G.
Protein change: p.Asn247Ser; replaces asparagine 247 with serine.
Molecular consequence: missense variant.
Genome position (GRCh38, 1-based): chr13:48,261,163, A>G. VCF-style: chr13-48261163-A-G. GRCh37 (hg19) VCF-style: chr13-48835299-A-G.
Other names: short protein forms N247S.
Identifiers: ClinVar variation 2800379 (VCV002800379.3), dbSNP rs2542062909, ClinGen allele CA388252164.

ClinVar aggregate classification (germline): Uncertain significance (1 of 4 stars; one submission).

Allele frequency attached by ClinVar (database versions not stated): gnomAD exomes below 0.00001.
gnomAD v4.1: 3 of 1,612,452 alleles (0.00019%); highest among the groups gnomAD compares: Non-Finnish European, 0.00025%; no homozygotes.

Submission:

Labcorp Genetics (formerly Invitae), Labcorp
Classification: Uncertain significance. Last evaluated: 2024-10-30. Review status: criteria provided, single submitter. Criteria: Invitae Variant Classification Sherloc (09022015). Collection method: clinical testing. Allele origin: germline.
Comment: This sequence change replaces asparagine, which is neutral and polar, with serine, which is neutral and polar, at codon 247 of the ITM2B protein (p.Asn247Ser). This variant is not present in population databases (gnomAD no frequency). This variant has not been reported in the literature in individuals affected with ITM2B-related conditions. ClinVar contains an entry for this variant (Variation ID: 2800379). Invitae Evidence Modeling of protein sequence and biophysical properties (such as structural, functional, and spatial information, amino acid conservation, physicochemical variation, residue mobility, and thermodynamic stability) indicates that this missense variant is not expected to disrupt ITM2B protein function with a negative predictive value of 80%. In summary, the available evidence is currently insufficient to determine the role of this variant in disease. Therefore, it has been classified as a Variant of Uncertain Significance.